The following is an entry in ClinVar:

NM_001366385.1(CARD14):c.842T>C (p.Leu281Pro)

Gene: CARD14 (caspase recruitment domain family member 14; plus strand). Cytogenetic location: 17q25.3.
Variant type: single nucleotide variant.
Coding change: c.842T>C on transcript NM_001366385.1 (MANE Select); coding-DNA position 842, T replaced by C.
Protein change: p.Leu281Pro; replaces leucine 281 with proline.
Molecular consequence: missense variant. On other transcripts: non-coding transcript variant (1).
Genome position (GRCh38, 1-based): chr17:80,188,543, T>C. VCF-style: chr17-80188543-T-C. GRCh37 (hg19) VCF-style: chr17-78162342-T-C.
Other names: c.842T>C, p.Leu281Pro (NM_001257970.1, NM_024110.4); c.131T>C, p.Leu44Pro (NM_052819.3); short protein forms L281P, L44P.
Identifiers: ClinVar variation 1937681 (VCV001937681.5), dbSNP rs781238013, ClinGen allele CA401342176.
Genomic context (GRCh38, chr17:80,188,543, plus strand): 5'-ATGAGGAGCTGAACCGCCTGAAGGAGGAGAATGAGAAACTGCGCTCGCTGACTTTCAGCC[T>C]GGTAGGTTCCGGTCCCCGCAGCAGAGAGCGGCCTCCTGCCTTGGGGGCTTGGCCCTCAGG-3'
Protein context (NP_001353314.1, residues 271-291): NEKLRSLTFS[Leu281Pro]AEKDILEQSL

ClinVar aggregate classification (germline): Uncertain significance (1 of 4 stars; one submission).

Conditions:
Pityriasis rubra pilaris (PRP). Also called: Pityriasis rubra pilaris--familial type. Identifiers: Orphanet 2897, MedGen C0032027, MONDO:0100017, OMIM 173200, MONDO:0008251.
Psoriasis 2. Identifiers: MedGen C1864497, MONDO:0011269, OMIM 602723.

gnomAD v4.1: 7 of 1,501,650 alleles (0.00047%); highest among the groups gnomAD compares: Non-Finnish European, 0.00062%; no homozygotes.

Submission:

Labcorp Genetics (formerly Invitae), Labcorp
Classification: Uncertain significance for Pityriasis rubra pilaris; Psoriasis 2. Last evaluated: 2022-01-03. Review status: criteria provided, single submitter. Criteria: Invitae Variant Classification Sherloc (09022015). Collection method: clinical testing. Allele origin: germline.
Comment: In summary, the available evidence is currently insufficient to determine the role of this variant in disease. Therefore, it has been classified as a Variant of Uncertain Significance. This sequence change replaces leucine, which is neutral and non-polar, with proline, which is neutral and non-polar, at codon 281 of the CARD14 protein (p.Leu281Pro). This variant is not present in population databases (gnomAD no frequency). This variant has not been reported in the literature in individuals affected with CARD14-related conditions. Algorithms developed to predict the effect of missense changes on protein structure and function are either unavailable or do not agree on the potential impact of this missense change (SIFT: "Tolerated"; PolyPhen-2: "Possibly Damaging"; Align-GVGD: "Class C0").